The following is an entry in ClinVar:

ClinVar aggregate classification (germline): Uncertain significance. Review status: criteria provided, multiple submitters, no conflicts (2 of 4 stars). 2 submissions from 2 submitters: Uncertain significance (2). Last evaluated 2023-05-08.

Conditions:
Inborn genetic diseases. Identifiers: MedGen C0950123, MeSH D030342.

Allele frequency attached by ClinVar (database versions not stated): gnomAD exomes below 0.00001; TOPMed below 0.00001; gnomAD 0.00001.

Submissions (2):

Labcorp Genetics (formerly Invitae), Labcorp
Classification: Uncertain significance. Last evaluated: 2023-05-08. Review status: criteria provided, single submitter. Criteria: Invitae Variant Classification Sherloc (09022015). Collection method: clinical testing. Allele origin: germline.
Comment: An algorithm developed to predict the effect of missense changes on protein structure and function (PolyPhen-2) suggests that this variant is likely to be disruptive. ClinVar contains an entry for this variant (Variation ID: 1038147). This variant has not been reported in the literature in individuals affected with AGBL5-related conditions. This variant is present in population databases (no rsID available, gnomAD no frequency). This sequence change replaces arginine, which is basic and polar, with cysteine, which is neutral and slightly polar, at codon 111 of the AGBL5 protein (p.Arg111Cys). In summary, the available evidence is currently insufficient to determine the role of this variant in disease. Therefore, it has been classified as a Variant of Uncertain Significance.

Ambry Genetics
Classification: Uncertain significance for Inborn genetic diseases. Last evaluated: 2023-03-31. Review status: criteria provided, single submitter. Criteria: Ambry Variant Classification Scheme 2023. Collection method: clinical testing. Allele origin: germline.

NM_021831.6(AGBL5):c.331C>T (p.Arg111Cys)

Gene: AGBL5 (AGBL carboxypeptidase 5; plus strand). Cytogenetic location: 2p23.3.
Variant type: single nucleotide variant.
Coding change: c.331C>T on transcript NM_021831.6 (MANE Select); coding-DNA position 331, C replaced by T.
Protein change: p.Arg111Cys; replaces arginine 111 with cysteine.
Molecular consequence: missense variant. On other transcripts: non-coding transcript variant (2).
Genome position (GRCh38, 1-based): chr2:27,053,517, C>T. VCF-style: chr2-27053517-C-T. GRCh37 (hg19) VCF-style: chr2-27276385-C-T.
Other names: c.331C>T (NM_021831.5); c.331C>T, p.Arg111Cys (NM_001035507.3); short protein forms R111C.
Identifiers: ClinVar variation 1038147 (VCV001038147.10), dbSNP rs1437800309, ClinGen allele CA346170171.